The following is an entry in ClinVar:

ClinVar aggregate classification (germline): Uncertain significance. Review status: criteria provided, multiple submitters, no conflicts (2 of 4 stars). 2 submissions from 2 submitters: Uncertain significance (2). Last evaluated 2025-12-04.

Allele frequency attached by ClinVar (database versions not stated): TOPMed 0.00002.
gnomAD v4.1: 9 of 1,520,528 alleles (0.00059%); highest among the groups gnomAD compares: Non-Finnish European, 0.00079%; no homozygotes.

Submissions (2):

Ambry Genetics
Classification: Uncertain significance. Last evaluated: 2025-12-04. Review status: criteria provided, single submitter. Criteria: Ambry Variant Classification Scheme 2023. Collection method: clinical testing. Allele origin: germline.

Labcorp Genetics (formerly Invitae), Labcorp
Classification: Uncertain significance. Last evaluated: 2024-11-25. Review status: criteria provided, single submitter. Criteria: Invitae Variant Classification Sherloc (09022015). Collection method: clinical testing. Allele origin: germline.
Comment: This sequence change replaces isoleucine, which is neutral and non-polar, with threonine, which is neutral and polar, at codon 339 of the MYLK3 protein (p.Ile339Thr). This variant is not present in population databases (gnomAD no frequency). This variant has not been reported in the literature in individuals affected with MYLK3-related conditions. ClinVar contains an entry for this variant (Variation ID: 1408077). An algorithm developed to predict the effect of missense changes on protein structure and function (PolyPhen-2) suggests that this variant is likely to be tolerated. In summary, the available evidence is currently insufficient to determine the role of this variant in disease. Therefore, it has been classified as a Variant of Uncertain Significance.

NM_182493.3(MYLK3):c.1016T>C (p.Ile339Thr)

Gene: MYLK3 (myosin light chain kinase 3; minus strand). Cytogenetic location: 16q11.2.
Variant type: single nucleotide variant.
Coding change: c.1016T>C on transcript NM_182493.3 (MANE Select); coding-DNA position 1016, T replaced by C.
Protein change: p.Ile339Thr; replaces isoleucine 339 with threonine.
Molecular consequence: missense variant. On other transcripts: 5 prime UTR variant (1).
Genome position (GRCh38, 1-based): chr16:46,732,654, A>G on the plus strand (T>C on the coding strand, the complement: MYLK3 is on the minus strand). VCF-style: chr16-46732654-A-G. GRCh37 (hg19) VCF-style: chr16-46766566-A-G.
Other names: c.-8T>C (NM_001308301.1); c.1016T>C (NM_182493.2); short protein forms I339T.
Identifiers: ClinVar variation 1408077 (VCV001408077.7), dbSNP rs534005345, ClinGen allele CA280230634.